The following is an entry in ClinVar:

ClinVar aggregate classification (germline): Uncertain significance (1 of 4 stars; one submission).

Submission:

Ambry Genetics
Classification: Uncertain significance. Last evaluated: 2026-06-30. Review status: criteria provided, single submitter. Criteria: Ambry Variant Classification Scheme 2023. Collection method: clinical testing. Allele origin: germline.
Comment: The p.Q712* variant (also known as c.2134C>T), located in coding exon 12 of the ATRIP gene, results from a C to T substitution at nucleotide position 2134. This changes the amino acid from a glutamine to a stop codon within coding exon 12. The evidence for this gene-disease relationship is limited; therefore, the clinical significance of this variant is unclear.

NM_130384.3(ATRIP):c.2134C>T (p.Gln712Ter)

Genes: ATRIP (ATR interacting protein; plus strand), ATRIP-TREX1 (ATRIP-TREX1 readthrough; plus strand). Cytogenetic location: 3p21.31.
Variant type: single nucleotide variant.
Coding change: c.2134C>T on transcript NM_130384.3 (MANE Select); coding-DNA position 2134, C replaced by T.
Protein change: p.Gln712Ter; replaces glutamine 712 with a stop codon.
Molecular consequence: nonsense. On other transcripts: non-coding transcript variant (1).
Genome position (GRCh38, 1-based): chr3:48,464,909, C>T. VCF-style: chr3-48464909-C-T. GRCh37 (hg19) VCF-style: chr3-48506308-C-T.
Other names: c.1753C>T, p.Gln585Ter (NM_001271022.2); c.1855C>T, p.Gln619Ter (NM_001271023.2); c.2053C>T, p.Gln685Ter (NM_032166.4); short protein forms Q685*, Q619*, Q712*, Q585*.
Identifiers: ClinVar variation 5032413 (VCV005032413.1).